The following is an entry in ClinVar:

NM_182972.3(IRF2BP2):c.448C>T (p.Pro150Ser)

Genes: IRF2BP2 (interferon regulatory factor 2 binding protein 2; minus strand), LOC129932812 (ATAC-STARR-seq lymphoblastoid silent region 1977; plus strand). Cytogenetic location: 1q42.3.
Variant type: single nucleotide variant.
Coding change: c.448C>T on transcript NM_182972.3 (MANE Select); coding-DNA position 448, C replaced by T.
Protein change: p.Pro150Ser; replaces proline 150 with serine.
Molecular consequence: missense variant.
Genome position (GRCh38, 1-based): chr1:234,609,047, G>A on the plus strand (C>T on the coding strand, the complement: IRF2BP2 is on the minus strand). VCF-style: chr1-234609047-G-A. GRCh37 (hg19) VCF-style: chr1-234744793-G-A.
Other names: c.448C>T (NM_182972.2); c.448C>T, p.Pro150Ser (NM_001077397.1); short protein forms P150S.
Identifiers: ClinVar variation 1395029 (VCV001395029.10), dbSNP rs752022481, ClinGen allele CA1461854.

ClinVar aggregate classification (germline): Uncertain significance. Review status: criteria provided, multiple submitters, no conflicts (2 of 4 stars). 2 submissions from 2 submitters: Uncertain significance (2). Last evaluated 2025-09-01.

Allele frequency attached by ClinVar (database versions not stated): TOPMed 0.00003; gnomAD 0.00008 and 0.00009; gnomAD exomes 0.00009 and 0.00015; ExAC 0.00020.

Submissions (2):

Labcorp Genetics (formerly Invitae), Labcorp
Classification: Uncertain significance. Last evaluated: 2025-09-01. Review status: criteria provided, single submitter. Criteria: Invitae Variant Classification Sherloc (09022015). Collection method: clinical testing. Allele origin: germline.
Comment: This sequence change replaces proline, which is neutral and non-polar, with serine, which is neutral and polar, at codon 150 of the IRF2BP2 protein (p.Pro150Ser). The frequency data for this variant in the population databases is considered unreliable, as metrics indicate poor data quality at this position in the gnomAD database. This variant has not been reported in the literature in individuals affected with IRF2BP2-related conditions. ClinVar contains an entry for this variant (Variation ID: 1395029). An algorithm developed to predict the effect of missense changes on protein structure and function (PolyPhen-2) suggests that this variant is likely to be tolerated. In summary, the available evidence is currently insufficient to determine the role of this variant in disease. Therefore, it has been classified as a Variant of Uncertain Significance.

Ambry Genetics
Classification: Uncertain significance. Last evaluated: 2025-06-09. Review status: criteria provided, single submitter. Criteria: Ambry Variant Classification Scheme 2023. Collection method: clinical testing. Allele origin: germline.